The following is an entry in ClinVar:

NM_032447.5(FBN3):c.1536C>G (p.Phe512Leu)

Gene: FBN3 (fibrillin 3; minus strand). Cytogenetic location: 19p13.2.
Variant type: single nucleotide variant.
Coding change: c.1536C>G on transcript NM_032447.5 (MANE Select); coding-DNA position 1536, C replaced by G.
Protein change: p.Phe512Leu; replaces phenylalanine 512 with leucine.
Molecular consequence: missense variant.
Genome position (GRCh38, 1-based): chr19:8,136,016, G>C on the plus strand (C>G on the coding strand, the complement: FBN3 is on the minus strand). VCF-style: chr19-8136016-G-C. GRCh37 (hg19) VCF-style: chr19-8200900-G-C.
Other names: c.1536C>G, p.Phe512Leu (NM_001321431.2); short protein forms F512L.
Identifiers: ClinVar variation 4743147 (VCV004743147.1).
Genomic context (GRCh38, chr19:8,136,016, plus strand): 5'-CTCACCCACACAGTTCTTGCCGTCAGGGCTGAGCTCGAAGCCTGCATTGCAGACACACTG[G>C]AAGCTGCCCTCTGTGTTGACACAGCGGCCCAGGTGACAAAGGCCACCACTGACAATGCAC-3'
Protein context (NP_115823.3, residues 502-522): LGRCVNTEGS[Phe512Leu]QCVCNAGFEL

ClinVar aggregate classification (germline): Uncertain significance (1 of 4 stars; one submission).

Submission:

Labcorp Genetics (formerly Invitae), Labcorp
Classification: Uncertain significance. Last evaluated: 2025-03-19. Review status: criteria provided, single submitter. Criteria: Invitae Variant Classification Sherloc (09022015). Collection method: clinical testing. Allele origin: germline.
Comment: This sequence change replaces phenylalanine, which is neutral and non-polar, with leucine, which is neutral and non-polar, at codon 512 of the FBN3 protein (p.Phe512Leu). This variant is not present in population databases (gnomAD no frequency). This variant has not been reported in the literature in individuals affected with FBN3-related conditions. Invitae Evidence Modeling of protein sequence and biophysical properties (such as structural, functional, and spatial information, amino acid conservation, physicochemical variation, residue mobility, and thermodynamic stability) indicates that this missense variant is expected to disrupt FBN3 protein function with a positive predictive value of 80%. In summary, the available evidence is currently insufficient to determine the role of this variant in disease. Therefore, it has been classified as a Variant of Uncertain Significance.